The following is an entry in ClinVar:

ClinVar aggregate classification (germline): Uncertain significance (1 of 4 stars; one submission).

Conditions:
Baller-Gerold syndrome (BGS). Also called: CRANIOSYNOSTOSIS WITH RADIAL DEFECTS. Identifiers: Orphanet 1225, MedGen C0265308, MONDO:0009039, OMIM 218600.

gnomAD v4.1: 1 of 1,612,822 alleles (0.000062%); no homozygotes.

Submission:

Labcorp Genetics (formerly Invitae), Labcorp
Classification: Uncertain significance for Baller-Gerold syndrome. Last evaluated: 2021-01-30. Review status: criteria provided, single submitter. Criteria: Invitae Variant Classification Sherloc (09022015). Collection method: clinical testing. Allele origin: germline.
Comment: This sequence change replaces glutamic acid with glycine at codon 401 of the RECQL4 protein (p.Glu401Gly). The glutamic acid residue is weakly conserved and there is a moderate physicochemical difference between glutamic acid and glycine. In summary, the available evidence is currently insufficient to determine the role of this variant in disease. Therefore, it has been classified as a Variant of Uncertain Significance. Experimental studies and prediction algorithms are not available or were not evaluated, and the functional significance of this variant is currently unknown. This variant has not been reported in the literature in individuals with RECQL4-related conditions. This variant is not present in population databases (ExAC no frequency).

NM_004260.4(RECQL4):c.1202A>G (p.Glu401Gly)

Gene: RECQL4 (RecQ like helicase 4; minus strand). Cytogenetic location: 8q24.3.
Variant type: single nucleotide variant.
Coding change: c.1202A>G on transcript NM_004260.4 (MANE Select); coding-DNA position 1202, A replaced by G.
Protein change: p.Glu401Gly; replaces glutamic acid 401 with glycine.
Molecular consequence: missense variant.
Genome position (GRCh38, 1-based): chr8:144,515,820, T>C on the plus strand (A>G on the coding strand, the complement: RECQL4 is on the minus strand). VCF-style: chr8-144515820-T-C. GRCh37 (hg19) VCF-style: chr8-145741204-T-C.
Other names: short protein forms E401G.
Identifiers: ClinVar variation 1510378 (VCV001510378.6), dbSNP rs2130712857, ClinGen allele CA372687534.